The following is an entry in ClinVar:

ClinVar aggregate classification (germline): Uncertain significance (1 of 4 stars; one submission).

Conditions:
RASopathy. Also called: Noonan spectrum disorder; rasopathies. Identifiers: Orphanet 536391, MedGen C5555857, MONDO:0021060.

Submission:

Labcorp Genetics (formerly Invitae), Labcorp
Classification: Uncertain significance for RASopathy. Last evaluated: 2022-04-06. Review status: criteria provided, single submitter. Criteria: Invitae Variant Classification Sherloc (09022015). Collection method: clinical testing. Allele origin: germline.
Comment: In summary, the available evidence is currently insufficient to determine the role of this variant in disease. Therefore, it has been classified as a Variant of Uncertain Significance. Advanced modeling of protein sequence and biophysical properties (such as structural, functional, and spatial information, amino acid conservation, physicochemical variation, residue mobility, and thermodynamic stability) performed at Invitae indicates that this missense variant is expected to disrupt CBL protein function. This variant has not been reported in the literature in individuals affected with CBL-related conditions. This variant is not present in population databases (gnomAD no frequency). This sequence change replaces lysine, which is basic and polar, with asparagine, which is neutral and polar, at codon 389 of the CBL protein (p.Lys389Asn).

NM_005188.4(CBL):c.1167G>C (p.Lys389Asn)

Gene: CBL (Cbl proto-oncogene; plus strand). Cytogenetic location: 11q23.3.
Variant type: single nucleotide variant.
Coding change: c.1167G>C on transcript NM_005188.4 (MANE Select); coding-DNA position 1167, G replaced by C.
Protein change: p.Lys389Asn; replaces lysine 389 with asparagine.
Molecular consequence: missense variant.
Genome position (GRCh38, 1-based): chr11:119,278,237, G>C. VCF-style: chr11-119278237-G-C. GRCh37 (hg19) VCF-style: chr11-119148947-G-C.
Other names: short protein forms K389N.
Identifiers: ClinVar variation 1987914 (VCV001987914.4), dbSNP rs773598122, ClinGen allele CA382912647.